The following is an entry in ClinVar:

NM_003872.3(NRP2):c.2425+9683T>C

Gene: NRP2 (neuropilin 2; plus strand). Cytogenetic location: 2q33.3.
Variant type: single nucleotide variant.
Coding change: c.2425+9683T>C on transcript NM_003872.3 (MANE Select); 9683 bases into the intron after coding-DNA position 2425, T replaced by C.
Molecular consequence: intron variant. On other transcripts: missense variant (2).
Genome position (GRCh38, 1-based): chr2:205,776,486, T>C. VCF-style: chr2-205776486-T-C. GRCh37 (hg19) VCF-style: chr2-206641210-T-C.
Other names: c.2681T>C, p.Leu894Pro (NM_018534.4); c.2666T>C, p.Leu889Pro (NM_201267.2); c.2440+9668T>C (NM_201266.2); c.2425+9683T>C (NM_201279.2); short protein forms L894P, L889P.
Identifiers: ClinVar variation 4982783 (VCV004982783.1).

ClinVar aggregate classification (germline): Uncertain significance (1 of 4 stars; one submission).

Conditions:
NRP2-related disorder. Also called: NRP2-related condition.

gnomAD v4.1: 3 of 1,610,512 alleles (0.00019%); highest among the groups gnomAD compares: African/African-American, 0.0027%; no homozygotes.

Submission:

PreventionGenetics, part of Exact Sciences
Classification: Uncertain significance for NRP2-related condition. Last evaluated: 2024-10-09. Review status: criteria provided, single submitter. Criteria: ACMG Guidelines, 2015. Collection method: clinical testing. Allele origin: germline.
Comment: The NRP2 c.2681T>C variant is predicted to result in the amino acid substitution p.Leu894Pro. To our knowledge, this variant has not been reported in the literature. This variant is reported in 0.012% of alleles in individuals of African descent in gnomAD. At this time, the clinical significance of this variant is uncertain due to the absence of conclusive functional and genetic evidence.